The following is an entry in ClinVar:

ClinVar aggregate classification (germline): Conflicting classifications of pathogenicity. Review status: criteria provided, conflicting classifications (1 of 4 stars). 2 submissions from 2 submitters: Uncertain significance (1); Benign (1). Last evaluated 2026-01-31.

Conditions:
RASopathy. Also called: rasopathies; Noonan spectrum disorder. Identifiers: Orphanet 536391, MedGen C5555857, MONDO:0021060.

Submissions (2):

Labcorp Genetics (formerly Invitae), Labcorp
Classification: Uncertain significance for RASopathy. Last evaluated: 2026-01-31. Review status: criteria provided, single submitter. Criteria: Invitae Variant Classification Sherloc (09022015). Collection method: clinical testing. Allele origin: germline.
Comment: This sequence change falls in intron 7 of the CBL gene. It does not directly change the encoded amino acid sequence of the CBL protein. Information on the frequency of this variant in the gnomAD database is not available, as this variant may be reported differently in the database. This variant has not been reported in the literature in individuals affected with CBL-related conditions. ClinVar contains an entry for this variant (Variation ID: 1417419). Experimental studies and prediction algorithms are not available or were not evaluated, and the effect of this variant on mRNA splicing is currently unknown. In summary, the available evidence is currently insufficient to determine the role of this variant in disease. Therefore, it has been classified as a Variant of Uncertain Significance.

Women's Health and Genetics/Laboratory Corporation of America, LabCorp
Classification: Benign. Last evaluated: 2022-12-27. Review status: criteria provided, single submitter. Criteria: LabCorp Variant Classification Summary - May 2015. Collection method: clinical testing. Allele origin: germline.
Comment: Variant summary: CBL c.1095+18_1095+19delinsGT alters a nucleotide located close to a canonical splice site and therefore could affect mRNA splicing, leading to a significantly altered protein sequence. Several computational tools predict a significant impact on normal splicing: Three predict the variant creates a 3 prime acceptor site. However, these predictions have yet to be confirmed by functional studies. The variant allele was found at a frequency of 0.00012 in 282732 control chromosomes. The observed variant frequency is approximately 50 fold of the estimated maximal expected allele frequency for a pathogenic variant in CBL causing Noonan Syndrome And Related Conditions phenotype (2.5e-06), strongly suggesting that the variant is benign. To our knowledge, no occurrence of c.1095+18_1095+19delinsGT in individuals affected with Noonan Syndrome And Related Conditions and no experimental evidence demonstrating its impact on protein function have been reported. One clinical diagnostic laboratory has submitted clinical-significance assessments for this variant to ClinVar after 2014 without evidence for independent evaluation and classified the variant as uncertain significance. Based on the evidence outlined above, the variant was classified as benign.

NM_005188.4(CBL):c.1095+18_1095+19delinsGT

Gene: CBL (Cbl proto-oncogene; plus strand). Cytogenetic location: 11q23.3.
Variant type: Indel.
Coding change: c.1095+18_1095+19delinsGT on transcript NM_005188.4 (MANE Select); bases 18 to 19 of the intron after coding-DNA position 1095, TG replaced by GT.
Molecular consequence: intron variant.
Genome position (GRCh38, 1-based): chr11:119,277,862-119,277,863, TG replaced by GT. VCF-style: chr11-119277862-TG-GT. GRCh37 (hg19) VCF-style: chr11-119148572-TG-GT.
Identifiers: ClinVar variation 1417419 (VCV001417419.7), dbSNP rs2135303045, ClinGen allele CA2573146901.